The following is an entry in ClinVar:

NM_015488.5(PNKD):c.982A>T (p.Thr328Ser)

Genes: CATIP-AS2 (CATIP antisense RNA 2; minus strand), PNKD (PNKD metallo-beta-lactamase domain containing; plus strand). Cytogenetic location: 2q35.
Variant type: single nucleotide variant.
Coding change: c.982A>T on transcript NM_015488.5 (MANE Select); coding-DNA position 982, A replaced by T.
Protein change: p.Thr328Ser; replaces threonine 328 with serine.
Molecular consequence: missense variant.
Genome position (GRCh38, 1-based): chr2:218,344,568, A>T. VCF-style: chr2-218344568-A-T. GRCh37 (hg19) VCF-style: chr2-219209291-A-T.
Other names: c.910A>T, p.Thr304Ser (NM_022572.5); short protein forms T304S, T328S.
Identifiers: ClinVar variation 968947 (VCV000968947.8), dbSNP rs1225358282, ClinGen allele CA350543043.
Genomic context (GRCh38, chr2:218,344,568, plus strand): 5'-AACCTGGCCCGGGAGAGGAAGATGCAGTGGGTGCAGCGGCAGCGGCTGGAGCGCAAGGGC[A>T]CGGTGAGGGACTCGGGGTCCAGGAGGAGCTGTGTGGGCAGGCACTCAGCCCCAACGGGAA-3'
Protein context (NP_056303.3, residues 318-338): VQRQRLERKG[Thr328Ser]CPSTLGEERS

ClinVar aggregate classification (germline): Uncertain significance (1 of 4 stars; one submission).

Conditions:
Paroxysmal nonkinesigenic dyskinesia. Also called: Paroxysmal non-kinesigenic dyskinesia. Identifiers: Orphanet 98810, MedGen C1869117, MONDO:0700088.

Allele frequency attached by ClinVar (database versions not stated): gnomAD exomes below 0.00001.

Submission:

Labcorp Genetics (formerly Invitae), Labcorp
Classification: Uncertain significance for Paroxysmal nonkinesigenic dyskinesia. Last evaluated: 2019-10-24. Review status: criteria provided, single submitter. Criteria: Invitae Variant Classification Sherloc (09022015). Collection method: clinical testing. Allele origin: germline.
Comment: In summary, the available evidence is currently insufficient to determine the role of this variant in disease. Therefore, it has been classified as a Variant of Uncertain Significance. Algorithms developed to predict the effect of missense changes on protein structure and function are either unavailable or do not agree on the potential impact of this missense change (SIFT: "Deleterious"; PolyPhen-2: "Benign"; Align-GVGD: "Class C0"). This variant has been observed in one or more individuals who were not affected with dystonia (Invitae). This variant is not present in population databases (ExAC no frequency). This sequence change replaces threonine with serine at codon 328 of the PNKD protein (p.Thr328Ser). The threonine residue is highly conserved and there is a small physicochemical difference between threonine and serine.